The following is an entry in ClinVar:

ClinVar aggregate classification (germline): Uncertain significance (1 of 4 stars; one submission).

Submission:

Labcorp Genetics (formerly Invitae), Labcorp
Classification: Uncertain significance. Last evaluated: 2021-03-08. Review status: criteria provided, single submitter. Criteria: Invitae Variant Classification Sherloc (09022015). Collection method: clinical testing. Allele origin: germline.
Comment: In summary, the available evidence is currently insufficient to determine the role of this variant in disease. Therefore, it has been classified as a Variant of Uncertain Significance. Algorithms developed to predict the effect of missense changes on protein structure and function are either unavailable or do not agree on the potential impact of this missense change (SIFT: "Deleterious"; PolyPhen-2: "Benign"; Align-GVGD: "Class C0"). This variant has not been reported in the literature in individuals with EFL1-related conditions. This variant is not present in population databases (ExAC no frequency). This sequence change replaces isoleucine with leucine at codon 835 of the EFL1 protein (p.Ile835Leu). The isoleucine residue is highly conserved and there is a small physicochemical difference between isoleucine and leucine.

NM_024580.6(EFL1):c.2503A>C (p.Ile835Leu)

Gene: EFL1 (elongation factor like GTPase 1; minus strand). Cytogenetic location: 15q25.2.
Variant type: single nucleotide variant.
Coding change: c.2503A>C on transcript NM_024580.6 (MANE Select); coding-DNA position 2503, A replaced by C.
Protein change: p.Ile835Leu; replaces isoleucine 835 with leucine.
Molecular consequence: missense variant. On other transcripts: non-coding transcript variant (1).
Genome position (GRCh38, 1-based): chr15:82,151,951, T>G on the plus strand (A>C on the coding strand, the complement: EFL1 is on the minus strand). VCF-style: chr15-82151951-T-G. GRCh37 (hg19) VCF-style: chr15-82444292-T-G.
Other names: c.2350A>C, p.Ile784Leu (NM_001040610.3); c.1714A>C, p.Ile572Leu (NM_001322844.2); c.2503A>C, p.Ile835Leu (NM_001322845.2); short protein forms I784L, I572L, I835L.
Identifiers: ClinVar variation 1377294 (VCV001377294.8), dbSNP rs2141228622, ClinGen allele CA393287295.
Genomic context (GRCh38, chr15:82,151,951, plus strand): 5'-CTTTGTCAGCTGGACCTGTCCATACTGAGTTCTGAAAATCTTCACTTTTATTGACTAGTA[T>G]GTTGGGCCCACATTTTCTTGGGCCAAATGACCAGATTTGGTCAACAATGTTCCTCCATCT-3'
Protein context (NP_078856.4, residues 825-845): SFGPRKCGPN[Ile835Leu]LVNKSEDFQN